The following is an entry in ClinVar:

NM_032217.5(ANKRD17):c.6301A>G (p.Ser2101Gly)

Gene: ANKRD17 (ankyrin repeat domain 17; minus strand). Cytogenetic location: 4q13.3.
Variant type: single nucleotide variant.
Coding change: c.6301A>G on transcript NM_032217.5 (MANE Select); coding-DNA position 6301, A replaced by G.
Protein change: p.Ser2101Gly; replaces serine 2101 with glycine.
Molecular consequence: missense variant.
Genome position (GRCh38, 1-based): chr4:73,091,327, T>C on the plus strand (A>G on the coding strand, the complement: ANKRD17 is on the minus strand). VCF-style: chr4-73091327-T-C. GRCh37 (hg19) VCF-style: chr4-73957044-T-C.
Other names: c.5962A>G, p.Ser1988Gly (NM_001286771.3); c.6298A>G, p.Ser2100Gly (NM_015574.2); c.5548A>G, p.Ser1850Gly (NM_198889.3); short protein forms S1988G, S2101G, S1850G, S2100G.
Identifiers: ClinVar variation 1355661 (VCV001355661.6), dbSNP rs200875539, ClinGen allele CA99658690.

ClinVar aggregate classification (germline): Uncertain significance (1 of 4 stars; one submission).

Allele frequency attached by ClinVar (database versions not stated): gnomAD exomes below 0.00001; TOPMed below 0.00001; gnomAD 0.00001; 1000 Genomes Project 30x 0.00016; 1000 Genomes Project 0.00020.
gnomAD v4.1: 2 of 1,614,130 alleles (0.00012%); highest among the groups gnomAD compares: East Asian, 0.0045%; no homozygotes.

Submission:

Labcorp Genetics (formerly Invitae), Labcorp
Classification: Uncertain significance. Last evaluated: 2021-11-28. Review status: criteria provided, single submitter. Criteria: Invitae Variant Classification Sherloc (09022015). Collection method: clinical testing. Allele origin: germline.
Comment: This sequence change replaces serine, which is neutral and polar, with glycine, which is neutral and non-polar, at codon 2101 of the ANKRD17 protein (p.Ser2101Gly). This variant is not present in population databases (gnomAD no frequency). This variant has not been reported in the literature in individuals affected with ANKRD17-related conditions. Algorithms developed to predict the effect of missense changes on protein structure and function are either unavailable or do not agree on the potential impact of this missense change (SIFT: "Not Available"; PolyPhen-2: "Benign"; Align-GVGD: "Not Available"). In summary, the available evidence is currently insufficient to determine the role of this variant in disease. Therefore, it has been classified as a Variant of Uncertain Significance.